The following is an entry in ClinVar:

NM_002529.4(NTRK1):c.1502-2A>C

Gene: NTRK1 (neurotrophic receptor tyrosine kinase 1; plus strand). Cytogenetic location: 1q23.1.
Variant type: single nucleotide variant.
Coding change: c.1502-2A>C on transcript NM_002529.4 (MANE Select); the canonical splice acceptor site of the intron before coding-DNA position 1502, A replaced by C.
Molecular consequence: splice acceptor variant.
Genome position (GRCh38, 1-based): chr1:156,876,078, A>C. VCF-style: chr1-156876078-A-C. GRCh37 (hg19) VCF-style: chr1-156845870-A-C.
Other names: c.1394-2A>C (NM_001007792.1); c.1484-2A>C (NM_001012331.2).
Identifiers: ClinVar variation 4727595 (VCV004727595.1).
Genomic context (GRCh38, chr1:156,876,078, plus strand): 5'-CCCGCTACAACCCCAGCCCTCCCAAGACTGGGGCTACCGTCTGACCCTGCAAGCCCCCTC[A>C]GGTGTTCACCACATCAAGCGCCGGGACATCGTGCTCAAGTGGGAGCTGGGGGAGGGCGCC-3'

ClinVar aggregate classification (germline): Likely pathogenic (1 of 4 stars; one submission).

Conditions:
Hereditary insensitivity to pain with anhidrosis (CIPA). Also called: NEUROPATHY, CONGENITAL SENSORY, WITH ANHIDROSIS; hereditary sensory and autonomic neuropathy type 4; INSENSITIVITY TO PAIN, CONGENITAL, WITH ANHIDROSIS; NTRK1 Congenital Insensitivity to Pain with Anhidrosis; FAMILIAL DYSAUTONOMIA, TYPE II; HSAN Type IV. Identifiers: Orphanet 642, MedGen C0020074, MONDO:0009746, OMIM 256800.

Submission:

Labcorp Genetics (formerly Invitae), Labcorp
Classification: Likely pathogenic for Hereditary insensitivity to pain with anhidrosis. Last evaluated: 2025-09-23. Review status: criteria provided, single submitter. Criteria: Invitae Variant Classification Sherloc (09022015). Collection method: clinical testing. Allele origin: germline.
Comment: This sequence change affects an acceptor splice site in intron 11 of the NTRK1 gene. It is expected to disrupt RNA splicing. Variants that disrupt the donor or acceptor splice site typically lead to a loss of protein function (PMID: 16199547), and loss-of-function variants in NTRK1 are known to be pathogenic (PMID: 10982191). This variant is not present in population databases (gnomAD no frequency). This variant has not been reported in the literature in individuals affected with NTRK1-related conditions. Algorithms developed to predict the effect of sequence changes on RNA splicing suggest that this variant may disrupt the consensus splice site. In summary, the currently available evidence indicates that the variant is pathogenic, but additional data are needed to prove that conclusively. Therefore, this variant has been classified as Likely Pathogenic.

Literature cited by the submitters: PubMed 16199547; PubMed 10982191.